The following is an entry in ClinVar:

NM_000256.3(MYBPC3):c.3300C>A (p.Tyr1100Ter)

Gene: MYBPC3 (myosin binding protein C3; minus strand). Cytogenetic location: 11p11.2.
Variant type: single nucleotide variant.
Coding change: c.3300C>A on transcript NM_000256.3 (MANE Select); coding-DNA position 3300, C replaced by A.
Protein change: p.Tyr1100Ter; replaces tyrosine 1100 with a stop codon.
Molecular consequence: nonsense.
Genome position (GRCh38, 1-based): chr11:47,333,224, G>T on the plus strand (C>A on the coding strand, the complement: MYBPC3 is on the minus strand). VCF-style: chr11-47333224-G-T. GRCh37 (hg19) VCF-style: chr11-47354775-G-T.
Other names: short protein forms Y1100*.
Identifiers: ClinVar variation 217485 (VCV000217485.14), dbSNP rs863225113, ClinGen allele CA279299.
Genomic context (GRCh38, chr11:47,333,224, plus strand): 5'-GCACGTGGGGACCCCAGACCCTGGGCTCACCATGGTCTTCTTGTCGGCTTTCTGCACTGT[G>T]TACCCCCAGAGCTCCGTGTTGCCGACATCCTGGGGTGGCTTCCACTCCAGAGCCACATTA-3'

ClinVar aggregate classification (germline): Pathogenic/Likely pathogenic. Review status: criteria provided, multiple submitters, no conflicts (2 of 4 stars). 7 submissions from 7 submitters: Pathogenic (4); Likely pathogenic (3). Last evaluated 2024-04-04.

Conditions:
Cardiovascular phenotype. Identifiers: MedGen CN230736.
Cardiomyopathy (CMYO). Also called: Cardiomyopathies. Identifiers: Orphanet 167848, MedGen C0878544, MONDO:0004994, HP:0001638. Inheritance: Various modes of inheritance.
Hypertrophic cardiomyopathy 4. Also called: Familial hypertrophic cardiomyopathy 4. Identifiers: MedGen C1861862, MONDO:0007268, OMIM 115197.
Hypertrophic cardiomyopathy. Also called: HYPERTROPHIC MYOCARDIOPATHY. Identifiers: Orphanet 217569, MedGen C0007194, MeSH D002312, MONDO:0005045, HP:0001639.

Submissions (7):

Ambry Genetics
Classification: Pathogenic for Cardiovascular phenotype. Last evaluated: 2024-04-04. Review status: criteria provided, single submitter. Criteria: Ambry Variant Classification Scheme 2023. Collection method: clinical testing. Allele origin: germline.
Comment: The p.Y1100* pathogenic mutation (also known as c.3300C>A), located in coding exon 30 of the MYBPC3 gene, results from a C to A substitution at nucleotide position 3300. This changes the amino acid from a tyrosine to a stop codon within coding exon 30. This variant has been detected in individuals with hypertrophic cardiomyopathy (Marsiglia JD et al. Am Heart J, 2013 Oct;166:775-82; Ho CY et al. Circulation, 2018 Oct;138:1387-1398). This variant is considered to be rare based on population cohorts in the Genome Aggregation Database (gnomAD). This alteration is expected to result in loss of function by premature protein truncation or nonsense-mediated mRNA decay. As such, this alteration is interpreted as a disease-causing mutation.

Revvity Omics, Revvity
Classification: Likely pathogenic. Last evaluated: 2022-11-29. Review status: criteria provided, single submitter. Criteria: ACMG Guidelines, 2015. Collection method: clinical testing. Allele origin: germline.

Labcorp Genetics (formerly Invitae), Labcorp
Classification: Pathogenic for Hypertrophic cardiomyopathy. Last evaluated: 2022-05-30. Review status: criteria provided, single submitter. Criteria: Invitae Variant Classification Sherloc (09022015). Collection method: clinical testing. Allele origin: germline.
Comment: For these reasons, this variant has been classified as Pathogenic. ClinVar contains an entry for this variant (Variation ID: 217485). This premature translational stop signal has been observed in individual(s) with hypertrophic cardiomyopathy (PMID: 30297972). This variant is not present in population databases (gnomAD no frequency). This sequence change creates a premature translational stop signal (p.Tyr1100*) in the MYBPC3 gene. It is expected to result in an absent or disrupted protein product. Loss-of-function variants in MYBPC3 are known to be pathogenic (PMID: 19574547).

Molecular Diagnostic Laboratory for Inherited Cardiovascular Disease, Montreal Heart Institute
Classification: Pathogenic for Cardiovascular phenotype. Last evaluated: 2022-02-04. Review status: criteria provided, single submitter. Criteria: ACMG Guidelines, 2015. Collection method: clinical testing. Allele origin: germline. Affected: yes.

CHEO Genetics Diagnostic Laboratory, Children's Hospital of Eastern Ontario
Classification: Likely pathogenic for Cardiomyopathy. Last evaluated: 2018-04-04. Review status: criteria provided, single submitter. Criteria: ACMG Guidelines, 2015. Collection method: clinical testing. Allele origin: germline.

Juno Genomics, Hangzhou Juno Genomics, Inc
Classification: Pathogenic for Hypertrophic cardiomyopathy 4. Review status: criteria provided, single submitter. Criteria: ACMG Guidelines, 2015. Collection method: clinical testing. Allele origin: germline.
Comment: Absent from controls (or at extremely low frequency if recessive) in Genome Aggregation Database.;Null variant in a gene where loss of function (LOF) is a known mechanism of disease.;The prevalence of the variant in affected individuals is significantly increased compared to the prevalence in controls.

Laboratory of Genetics and Molecular Cardiology, University of São Paulo
Classification: Likely pathogenic for Hypertrophic cardiomyopathy 4. Review status: criteria provided, single submitter. Criteria: LGCM Criteria August 2015. Collection method: clinical testing. Allele origin: germline. Inheritance: Autosomal dominant inheritance. Affected: yes. Observed: 1 variant allele. Study: Sarcomeric Human Cardiomyopathy Registry (ShaRe).

Literature cited by the submitters: PubMed 24093860 (cited by Ambry Genetics); PubMed 30297972 (cited by Ambry Genetics and Labcorp Genetics (formerly Invitae), Labcorp); PubMed 19574547 (cited by Labcorp Genetics (formerly Invitae), Labcorp).